The following is an entry in ClinVar:

ClinVar aggregate classification (germline): Pathogenic (1 of 4 stars; one submission).

Conditions:
Hereditary cancer-predisposing syndrome. Also called: Neoplastic Syndromes, Hereditary; Tumor predisposition; Hereditary neoplastic syndrome; Hereditary Cancer Syndrome. Identifiers: Orphanet 140162, MedGen C0027672, MeSH D009386, MONDO:0015356.

Submission:

Ambry Genetics
Classification: Pathogenic for Hereditary cancer-predisposing syndrome. Last evaluated: 2023-12-15. Review status: criteria provided, single submitter. Criteria: Ambry Variant Classification Scheme 2023. Collection method: clinical testing. Allele origin: germline.
Comment: The p.L355* pathogenic mutation (also known as c.1064T>A), located in coding exon 4 of the PALB2 gene, results from a T to A substitution at nucleotide position 1064. This changes the amino acid from a leucine to a stop codon within coding exon 4. This variant is considered to be rare based on population cohorts in the Genome Aggregation Database (gnomAD). This alteration is expected to result in loss of function by premature protein truncation or nonsense-mediated mRNA decay. As such, this alteration is interpreted as a disease-causing mutation.

NM_024675.4(PALB2):c.1064T>A (p.Leu355Ter)

Gene: PALB2 (partner and localizer of BRCA2; minus strand). Cytogenetic location: 16p12.2.
Variant type: single nucleotide variant.
Coding change: c.1064T>A on transcript NM_024675.4 (MANE Select); coding-DNA position 1064, T replaced by A.
Protein change: p.Leu355Ter; replaces leucine 355 with a stop codon.
Molecular consequence: nonsense. On other transcripts: intron variant (3).
Genome position (GRCh38, 1-based): chr16:23,635,482, A>T on the plus strand (T>A on the coding strand, the complement: PALB2 is on the minus strand). VCF-style: chr16-23635482-A-T. GRCh37 (hg19) VCF-style: chr16-23646803-A-T.
Other names: c.1004T>A, p.Leu335Ter (NM_001407296.1); c.1064T>A, p.Leu355Ter (NM_001407297.1, NM_001407298.1, NM_001407299.1 and 3 more transcripts); c.179T>A, p.Leu60Ter (NM_001407304.1, NM_001407305.1, NM_001407306.1 and 5 more transcripts); c.48+5628T>A (NM_001407314.1); c.-104-5013T>A (NM_001407313.1, NM_001407312.1); short protein forms L335*, L355*, L60*.
Identifiers: ClinVar variation 3227978 (VCV003227978.1), dbSNP rs1597097263, ClinGen allele CA395134053.